The following is an entry in ClinVar:

ClinVar aggregate classification (germline): Likely pathogenic (1 of 4 stars; one submission).

gnomAD v4.1: 1 of 1,613,834 alleles (0.000062%); highest among the groups gnomAD compares: African/African-American, 0.0013%; no homozygotes.

Submission:

Labcorp Genetics (formerly Invitae), Labcorp
Classification: Likely pathogenic. Last evaluated: 2024-03-02. Review status: criteria provided, single submitter. Criteria: Invitae Variant Classification Sherloc (09022015). Collection method: clinical testing. Allele origin: germline.
Comment: This sequence change affects a donor splice site in intron 9 of the ADAMTSL4 gene. It is expected to disrupt RNA splicing. Variants that disrupt the donor or acceptor splice site typically lead to a loss of protein function (PMID: 16199547), and loss-of-function variants in ADAMTSL4 are known to be pathogenic (PMID: 20564469, 28642162). This variant is not present in population databases (gnomAD no frequency). This variant has not been reported in the literature in individuals affected with ADAMTSL4-related conditions. Algorithms developed to predict the effect of sequence changes on RNA splicing suggest that this variant may disrupt the consensus splice site. In summary, the currently available evidence indicates that the variant is pathogenic, but additional data are needed to prove that conclusively. Therefore, this variant has been classified as Likely Pathogenic.

Literature cited by the submitters: PubMed 16199547; PubMed 20564469; PubMed 28642162.

NM_019032.6(ADAMTSL4):c.1576+1G>T

Genes: ADAMTSL4 (ADAMTS like 4; plus strand), ADAMTSL4-AS2 (ADAMTSL4 antisense RNA 2; minus strand). Cytogenetic location: 1q21.2.
Variant type: single nucleotide variant.
Coding change: c.1576+1G>T on transcript NM_019032.6 (MANE Select); the canonical splice donor site of the intron after coding-DNA position 1576, G replaced by T.
Molecular consequence: splice donor variant.
Genome position (GRCh38, 1-based): chr1:150,556,367, G>T. VCF-style: chr1-150556367-G-T. GRCh37 (hg19) VCF-style: chr1-150528843-G-T.
Other names: c.1645+1G>T (NM_001288608.2, NM_001288607.2); c.1576+1G>T (NM_001378596.1, NM_025008.5).
Identifiers: ClinVar variation 3644120 (VCV003644120.2).
Genomic context (GRCh38, chr1:150,556,367, plus strand): 5'-TTCCAGCGGGAGCCTTGCGGCTCCAGATTGCCCAGCTCCGGCCTAGCTCCAACTACCTGG[G>T]TGAGCACCCAGCTGCCTCCCCTTCCACTTCCGTCTCTGTTCGGCCCTCCATACCCCTACT-3'